The following is an entry in ClinVar:

ClinVar aggregate classification (germline): Uncertain significance (1 of 4 stars; one submission).

Conditions:
Atypical hemolytic-uremic syndrome. Identifiers: Orphanet 2134, MedGen C2931788, MONDO:0016244.
Basal laminar drusen. Also called: DRUSEN OF BRUCH MEMBRANE; DRUSEN, CUTICULAR; DRUSEN, EARLY ADULT-ONSET, GROUPED. Identifiers: Orphanet 75376, MedGen C0730295, MONDO:0007472, OMIM 126700.
Factor H deficiency (CFHD). Also called: COMPLEMENT FACTOR H DEFICIENCY; CFH DEFICIENCY. Identifiers: Orphanet 200421, MedGen C0398777, MONDO:0012350, OMIM 609814.
Age related macular degeneration 4. Identifiers: MedGen C1853147, MONDO:0012540, OMIM 610698.

Submission:

Genomenon, Inc
Classification: Uncertain significance for Basal laminar drusen; Age related macular degeneration 4; Atypical hemolytic-uremic syndrome; Factor H deficiency. Last evaluated: 2025-10-02. Review status: criteria provided, single submitter. Criteria: Genomenon Sequence Variant Interpretation Standards - Updated. Collection method: curation. Allele origin: germline. Affected: no.
Comment: CFH p.Val215Ile (c.643G>A) is a missense variant that changes the amino acid at residue 215 from Valine to Isoleucine. This variant has been reported in the published literature (PMID:31064333;30982675). It is absent or not present at a significant frequency in gnomAD. In silico models agree that this variant is not damaging. In conclusion, we classify CFH p.Val215Ile (c.643G>A) as a variant of uncertain significance.

Literature cited by the submitters: PubMed 31064333; PubMed 30982675.

NM_000186.4(CFH):c.643G>A (p.Val215Ile)

Gene: CFH (complement factor H; plus strand). Cytogenetic location: 1q31.3.
Variant type: single nucleotide variant.
Coding change: c.643G>A on transcript NM_000186.4 (MANE Select); coding-DNA position 643, G replaced by A.
Protein change: p.Val215Ile; replaces valine 215 with isoleucine.
Molecular consequence: missense variant.
Genome position (GRCh38, 1-based): chr1:196,679,646, G>A. VCF-style: chr1-196679646-G-A. GRCh37 (hg19) VCF-style: chr1-196648776-G-A.
Other names: c.643G>A, p.Val215Ile (NM_001014975.3); short protein forms V215I.
Identifiers: ClinVar variation 4291313 (VCV004291313.1).